The following is an entry in ClinVar:

NM_021956.5(GRIK2):c.115+1G>T

Gene: GRIK2 (glutamate ionotropic receptor kainate type subunit 2; plus strand). Cytogenetic location: 6q16.3.
Variant type: single nucleotide variant.
Coding change: c.115+1G>T on transcript NM_021956.5 (MANE Select); the canonical splice donor site of the intron after coding-DNA position 115, G replaced by T.
Molecular consequence: splice donor variant.
Genome position (GRCh38, 1-based): chr6:101,399,393, G>T. VCF-style: chr6-101399393-G-T. GRCh37 (hg19) VCF-style: chr6-101847269-G-T.
Other names: c.115+1G>T (NM_175768.3, NM_001166247.1).
Identifiers: ClinVar variation 5040275 (VCV005040275.1).

ClinVar aggregate classification (germline): Uncertain significance (1 of 4 stars; one submission).

Submission:

CeGaT Center for Human Genetics Tuebingen
Classification: Uncertain significance. Last evaluated: 2026-07-01. Review status: criteria provided, single submitter. Criteria: CeGaT Center For Human Genetics Tuebingen Variant Classification Criteria Version 2. Collection method: clinical testing. Allele origin: germline. Affected: yes. Observed: 1 variant allele.
Comment: GRIK2: PM2, PVS1:Moderate